The following is an entry in ClinVar:

ClinVar aggregate classification (germline): Uncertain significance. Review status: criteria provided, multiple submitters, no conflicts (2 of 4 stars). 2 submissions from 2 submitters: Uncertain significance (2). Last evaluated 2025-06-09.

Conditions:
Neonatal diabetes mellitus with congenital hypothyroidism. Also called: NDH SYNDROME. Identifiers: Orphanet 79118, MedGen C1857775, MONDO:0012436, OMIM 610199.

Allele frequency attached by ClinVar (database versions not stated): ExAC 0.00002; TOPMed 0.00002; gnomAD exomes 0.00004; ESP Exome Variant Server 0.00008.

Submissions (2):

Labcorp Genetics (formerly Invitae), Labcorp
Classification: Uncertain significance. Last evaluated: 2025-06-09. Review status: criteria provided, single submitter. Criteria: Invitae Variant Classification Sherloc (09022015). Collection method: clinical testing. Allele origin: germline.
Comment: This sequence change replaces glycine, which is neutral and non-polar, with arginine, which is basic and polar, at codon 158 of the GLIS3 protein (p.Gly158Arg). This variant is present in population databases (rs368943263, gnomAD 0.009%). This missense change has been observed in individual(s) with clinical features of GLIS3-related conditions (PMID: 38051360). This variant is also known as p.G313R. ClinVar contains an entry for this variant (Variation ID: 912959). An algorithm developed to predict the effect of missense changes on protein structure and function (PolyPhen-2) suggests that this variant is likely to be disruptive. Experimental studies have shown that this missense change affects GLIS3 function (PMID: 38051360). In summary, the available evidence is currently insufficient to determine the role of this variant in disease. Therefore, it has been classified as a Variant of Uncertain Significance.

Illumina Laboratory Services, Illumina
Classification: Uncertain significance for Neonatal diabetes mellitus with congenital hypothyroidism. Last evaluated: 2018-01-13. Review status: criteria provided, single submitter. Criteria: ICSL Variant Classification Criteria 13 December 2019. Collection method: clinical testing. Allele origin: germline.

Literature cited by the submitters: PubMed 38051360 (cited by Labcorp Genetics (formerly Invitae), Labcorp).

NM_001042413.2(GLIS3):c.937G>A (p.Gly313Arg)

Gene: GLIS3 (GLIS family zinc finger 3; minus strand). Cytogenetic location: 9p24.2.
Variant type: single nucleotide variant.
Coding change: c.937G>A on transcript NM_001042413.2 (MANE Select); coding-DNA position 937, G replaced by A.
Protein change: p.Gly313Arg; replaces glycine 313 with arginine.
Molecular consequence: missense variant.
Genome position (GRCh38, 1-based): chr9:4,118,541, C>T on the plus strand (G>A on the coding strand, the complement: GLIS3 is on the minus strand). VCF-style: chr9-4118541-C-T. GRCh37 (hg19) VCF-style: chr9-4118541-C-T.
Other names: c.472G>A, p.Gly158Arg (NM_152629.4); short protein forms G158R, G313R.
Identifiers: ClinVar variation 912959 (VCV000912959.8), dbSNP rs368943263, ClinGen allele CA4968361.